The following is an entry in ClinVar:

NM_004606.5(TAF1):c.1914A>C (p.Gln638His)

Gene: TAF1 (TATA-box binding protein associated factor 1; plus strand). Cytogenetic location: Xq13.1.
Variant type: single nucleotide variant.
Coding change: c.1914A>C on transcript NM_004606.5 (MANE Select); coding-DNA position 1914, A replaced by C.
Protein change: p.Gln638His; replaces glutamine 638 with histidine.
Molecular consequence: missense variant. On other transcripts: non-coding transcript variant (9).
Genome position (GRCh38, 1-based): chrX:71,383,131, A>C. VCF-style: chrX-71383131-A-C. GRCh37 (hg19) VCF-style: chrX-70602981-A-C.
Other names: c.1914A>C, p.Gln638His (NM_001286074.2); c.1851A>C, p.Gln617His (NM_138923.4); short protein forms Q617H, Q638H.
Identifiers: ClinVar variation 3342496 (VCV003342496.2).
Genomic context (GRCh38, chrX:71,383,131, plus strand): 5'-CCCACCTCTGAAAAAGTACTCATTTGGTGCACTTTCTCAGCCAGGTCCCCACTCAGTCCA[A>C]CCTTTGCTAAAGCACATCAAAAAAAAGGCCAAGGTATAATTGAATTCTGGTTAGAAAACA-3'
Protein context (NP_004597.3, residues 628-648): ALSQPGPHSV[Gln638His]PLLKHIKKKA

ClinVar aggregate classification (germline): Uncertain significance. Review status: criteria provided, multiple submitters, no conflicts (2 of 4 stars). 2 submissions from 2 submitters: Uncertain significance (2). Last evaluated 2025-11-16.

Submissions (2):

Labcorp Genetics (formerly Invitae), Labcorp
Classification: Uncertain significance. Last evaluated: 2025-11-16. Review status: criteria provided, single submitter. Criteria: Invitae Variant Classification Sherloc (09022015). Collection method: clinical testing. Allele origin: germline.
Comment: This sequence change replaces glutamine, which is neutral and polar, with histidine, which is basic and polar, at codon 658 of the TAF1 protein (p.Gln658His). This variant is not present in population databases (gnomAD no frequency). This variant has not been reported in the literature in individuals affected with TAF1-related conditions. ClinVar contains an entry for this variant (Variation ID: 3342496). Invitae Evidence Modeling of protein sequence and biophysical properties (such as structural, functional, and spatial information, amino acid conservation, physicochemical variation, residue mobility, and thermodynamic stability) indicates that this missense variant is not expected to disrupt TAF1 protein function with a negative predictive value of 80%. In summary, the available evidence is currently insufficient to determine the role of this variant in disease. Therefore, it has been classified as a Variant of Uncertain Significance.

GeneDx
Classification: Uncertain significance. Last evaluated: 2023-08-14. Review status: criteria provided, single submitter. Criteria: GeneDx Variant Classification Process June 2021. Collection method: clinical testing. Allele origin: germline. Affected: yes.
Comment: Not observed at significant frequency in large population cohorts (gnomAD); In silico analysis supports that this missense variant does not alter protein structure/function; Has not been previously published as pathogenic or benign to our knowledge